The following is an entry in ClinVar:

NM_000059.4(BRCA2):c.8059G>T (p.Val2687Phe)

Gene: BRCA2 (BRCA2 DNA repair associated; plus strand). Cytogenetic location: 13q13.1.
Variant type: single nucleotide variant.
Coding change: c.8059G>T on transcript NM_000059.4 (MANE Select); coding-DNA position 8059, G replaced by T.
Protein change: p.Val2687Phe; replaces valine 2687 with phenylalanine.
Molecular consequence: missense variant.
Genome position (GRCh38, 1-based): chr13:32,363,261, G>T. VCF-style: chr13-32363261-G-T. GRCh37 (hg19) VCF-style: chr13-32937398-G-T.
Other names: p.V2687F:GTT>TTT; NM_000059.4(BRCA2):c.8059G>T; p.Val2687Phe; short protein forms V2687F.
Identifiers: ClinVar variation 52491 (VCV000052491.20), dbSNP rs80359044, ClinGen allele CA025429.
Genomic context (GRCh38, chr13:32,363,261, plus strand): 5'-AGCAGAAGATCGGCTATAAAAAAGATAATGGAAAGGGATGACACAGCTGCAAAAACACTT[G>T]TTCTCTGTGTTTCTGACATAATTTCATTGAGCGCAAATATATCTGAAACTTCTAGCAATA-3'
Protein context (NP_000050.3, residues 2677-2697): ERDDTAAKTL[Val2687Phe]LCVSDIISLS

ClinVar aggregate classification (germline): Uncertain significance. Review status: reviewed by expert panel (3 of 4 stars). 6 submissions from 6 submitters: Uncertain significance (1). 5 of the submissions do not count toward it. Last evaluated 2025-08-18.

Conditions:
Hereditary cancer-predisposing syndrome. Also called: Neoplastic Syndromes, Hereditary; Tumor predisposition; Hereditary neoplastic syndrome; Hereditary Cancer Syndrome. Identifiers: Orphanet 140162, MedGen C0027672, MeSH D009386, MONDO:0015356.
Hereditary breast ovarian cancer syndrome. Also called: Hereditary breast and ovarian cancer syndrome; Hereditary breast and ovarian cancer; Hereditary breast and ovarian cancer syndrome (HBOC); Breast and ovarian cancer; Hereditary breast and/or ovarian cancer syndrome; BRCA1- and BRCA2-Associated Hereditary Breast and Ovarian Cancer. Identifiers: Orphanet 145, MedGen C0677776, MeSH D061325, MONDO:0003582. Disease mechanism: loss of function.
BRCA2-related disorder. Also called: BRCA2-related condition; BRCA2-related disorders. Identifiers: MedGen CN239275.
BRCA2-related cancer predisposition. Identifiers: MedGen CN377758, MONDO:0700269.
Breast-ovarian cancer, familial, susceptibility to, 2 (BROVCA2). Also called: BRCA2 Hereditary Breast and Ovarian Cancer. Identifiers: Orphanet 145, MedGen C2675520, MONDO:0012933, OMIM 612555. Disease mechanism: loss of function.

gnomAD v4.1: 1 of 1,614,078 alleles (0.000062%); highest among the groups gnomAD compares: South Asian, 0.0011%; no homozygotes.

Submissions (6):

ClinGen ENIGMA BRCA1 and BRCA2 Variant Curation Expert Panel, ClinGen
Classification: Uncertain significance for BRCA2-related cancer predisposition. Last evaluated: 2025-08-18. Review status: reviewed by expert panel. Criteria: CSpec BRCA1/2ACMG Rules Specifications V1.2. Collection method: curation. Allele origin: germline. Inheritance: Autosomal dominant inheritance.
Comment: The c.8059G>T variant in BRCA2 is a missense variant predicted to cause substitution of Valine by Phenylalanine at amino acid 2687 (p.(Val2687Phe)). This variant is present in gnomAD v2.1 (exomes only, non-cancer subset) or gnomAD v3.1 (non-cancer subset) but is below the ENIGMA BRCA1/2 VCEP threshold >0.00002 for BS1_Supporting (PM2_Supporting, BS1, and BA1 are not met). This BRCA2 missense variant is within a key functional domain and the computational predictor BayesDel (noAF) gives a score of 0.37, above the recommended threshold of 0.30 for prediction of impact on BRCA2 function via protein change. A SpliceAI score of 0 predicts no impact on splicing (score threshold <0.10) (PP3 met). Reported by three calibrated studies to exhibit protein function similar to pathogenic control variants (PMIDs:38417439, 39779857, 39779848) (PS3 met). mRNA experimental analysis indicates no impact on splicing (Internal lab contributor) but is not applied as strong evidence against pathogenicity since missense impact has not been excluded (BP7_Strong (RNA) not met). Multifactorial likelihood ratio analysis using clinically calibrated data produced a combined LR for this variant of 1.42 (based on Family History LR=1.42), which is above the ENIGMA BRCA1/2 VCEP threshold for BP5 (>0.48) and below PP4 (<2.08) (BP5 and PP4 not met; PMID: 31853058). In summary, this variant meets the criteria to be classified as a Variant of uncertain significance for BRCA2-related cancer predisposition based on the ACMG/AMP criteria applied as specified by the ENIGMA BRCA1/2 VCEP (PS3, PP3).

Ambry Genetics
Classification: Likely pathogenic for Hereditary cancer-predisposing syndrome. Last evaluated: 2024-03-06. Review status: criteria provided, single submitter. Criteria: Ambry Variant Classification Scheme 2023. Collection method: clinical testing. Allele origin: germline. Not counted in ClinVar's aggregate classification.
Comment: The p.V2687F variant (also known as c.8059G>T), located in coding exon 17 of the BRCA2 gene, results from a G to T substitution at nucleotide position 8059. The valine at codon 2687 is replaced by phenylalanine, an amino acid with highly similar properties. This variant was non-functional in a homology-directed DNA repair (HDR) assay (Hart SN et al. Genet. Med., 2019 01;21:71-80; Richardson ME et al. Am J Hum Genet, 2021 03;108:458-468). Based on internal structural assessment, this alteration disrupts the structure of the OB1 domain, near the interface with DSS (Yang H et al. Science, 2002 Sep;297:1837-48; Ambry internal data). This amino acid position is well conserved in available vertebrate species. In addition, this alteration is predicted to be deleterious by in silico analysis. Based on the majority of available evidence to date, this variant is likely to be pathogenic.

Labcorp Genetics (formerly Invitae), Labcorp
Classification: Uncertain significance for Hereditary breast ovarian cancer syndrome. Last evaluated: 2023-09-17. Review status: criteria provided, single submitter. Criteria: Invitae Variant Classification Sherloc (09022015). Collection method: clinical testing. Allele origin: germline. Not counted in ClinVar's aggregate classification.
Comment: This variant is present in population databases (rs80359044, gnomAD 0.003%). This missense change has been observed in individual(s) with clinical features of BRCA2-related conditions (PMID: 10923033, 21520333). ClinVar contains an entry for this variant (Variation ID: 52491). Advanced modeling performed at Invitae incorporating data from internal and/or published experimental studies (PMID: 33609447) indicates that this missense variant is expected to disrupt BRCA2 function. This sequence change replaces valine, which is neutral and non-polar, with phenylalanine, which is neutral and non-polar, at codon 2687 of the BRCA2 protein (p.Val2687Phe). Experimental studies have shown that this missense change affects BRCA2 function (PMID: 29884841, 33609447). In summary, the available evidence is currently insufficient to determine the role of this variant in disease. Therefore, it has been classified as a Variant of Uncertain Significance.

PreventionGenetics, part of Exact Sciences
Classification: Likely pathogenic for BRCA2-related condition. Last evaluated: 2023-01-19. Review status: criteria provided, single submitter. Criteria: ACMG Guidelines, 2015. Collection method: clinical testing. Allele origin: germline. Not counted in ClinVar's aggregate classification.
Comment: The BRCA2 c.8059G>T variant is predicted to result in the amino acid substitution p.Val2687Phe. Functional prediction programs have evaluated the the p.Val2687Phe change (also referred to as V2687F) as damaging (Supplementary Table S2, Hart et al. 2018. PubMed ID: 29884841; Supplementary Table 1, Karchin et al. 2008. PubMed ID: 19043619). This variant was shown to significantly reduce homology-directed repair (HDR) using the well-known in vitro DR-GFP assay, and was classified as a loss of function variant (Richardson et al. 2021. PubMed ID: 33609447). This variant is reported in 0.0033% of alleles in individuals of South Asian descent in gnomAD. In ClinVar, this variant has conflicting interpretations, ranging from uncertain to likely pathogenic. Taken together, we interpret this variant as likely pathogenic.

GeneDx
Classification: Uncertain significance. Last evaluated: 2022-07-21. Review status: criteria provided, single submitter. Criteria: GeneDx Variant Classification Process June 2021. Collection method: clinical testing. Allele origin: germline. Affected: yes. Not counted in ClinVar's aggregate classification.
Comment: Not observed at a significant frequency in large population cohorts (gnomAD); In silico analysis supports that this missense variant does not alter protein structure/function; Also known as 2915G>T; This variant is associated with the following publications: (PMID: 19043619, 12228710, 24013206, 33609447, 29884841)

Breast Cancer Information Core (BIC) (BRCA2)
Classification: Uncertain significance for Breast-ovarian cancer, familial 2. Last evaluated: 2003-12-23. Review status: no assertion criteria provided. Collection method: clinical testing. Allele origin: germline. Affected: yes. Observed: 1 variant allele. Not counted in ClinVar's aggregate classification.

Literature cited by the submitters: PubMed 12228710 (cited by Ambry Genetics); PubMed 19043619 (cited by Ambry Genetics); PubMed 29884841 (cited by Ambry Genetics and Labcorp Genetics (formerly Invitae), Labcorp); PubMed 33609447 (cited by Ambry Genetics and Labcorp Genetics (formerly Invitae), Labcorp); PubMed 10923033 (cited by Labcorp Genetics (formerly Invitae), Labcorp); PubMed 21520333 (cited by Labcorp Genetics (formerly Invitae), Labcorp).